The following is an entry in ClinVar:

NM_001458.5(FLNC):c.5540-6C>G

Genes: FLNC (filamin C; plus strand), FLNC-AS1 (FLNC antisense RNA 1; minus strand). Cytogenetic location: 7q32.1.
Variant type: single nucleotide variant.
Coding change: c.5540-6C>G on transcript NM_001458.5 (MANE Select); 6 bases into the intron before coding-DNA position 5540, C replaced by G.
Molecular consequence: intron variant.
Genome position (GRCh38, 1-based): chr7:128,851,226, C>G. VCF-style: chr7-128851226-C-G. GRCh37 (hg19) VCF-style: chr7-128491280-C-G.
Other names: c.5441-6C>G (NM_001127487.2).
Identifiers: ClinVar variation 472106 (VCV000472106.10), dbSNP rs201335006, ClinGen allele CA4475731.

ClinVar aggregate classification (germline): Conflicting classifications of pathogenicity. Review status: criteria provided, conflicting classifications (1 of 4 stars). 3 submissions from 3 submitters: Uncertain significance (1); Benign (1); Likely benign (1). Last evaluated 2025-12-29.

Conditions:
Distal myopathy with posterior leg and anterior hand involvement. Also called: WILLIAMS DISTAL MYOPATHY. Identifiers: Orphanet 63273, MedGen C3279722, MONDO:0013550, OMIM 614065.
Myofibrillar myopathy 5. Also called: Filaminopathy (type); FILAMINOPATHY, AUTOSOMAL DOMINANT. Identifiers: Orphanet 171445, MedGen C1836050, MONDO:0012289, OMIM 609524.
Hypertrophic cardiomyopathy 26. Also called: Cardiomyopathy, familial hypertrophic, 26. Identifiers: Orphanet 75249, MedGen C4310749, MONDO:0014883, OMIM 617047.
Cardiomyopathy (CMYO). Also called: Cardiomyopathies. Identifiers: Orphanet 167848, MedGen C0878544, MONDO:0004994, HP:0001638. Inheritance: Various modes of inheritance.

Allele frequency attached by ClinVar (database versions not stated): gnomAD 0.00003; TOPMed 0.00003; ESP Exome Variant Server 0.00008.

Submissions (3):

Labcorp Genetics (formerly Invitae), Labcorp
Classification: Likely benign for Distal myopathy with posterior leg and anterior hand involvement; Myofibrillar myopathy 5; Hypertrophic cardiomyopathy 26. Last evaluated: 2025-12-29. Review status: criteria provided, single submitter. Criteria: Invitae Variant Classification Sherloc (09022015). Collection method: clinical testing. Allele origin: germline.

Women's Health and Genetics/Laboratory Corporation of America, LabCorp
Classification: Benign. Last evaluated: 2024-08-27. Review status: criteria provided, single submitter. Criteria: LabCorp Variant Classification Summary - May 2015. Collection method: clinical testing. Allele origin: germline.
Comment: Variant summary: FLNC c.5540-6C>G alters a non-conserved nucleotide located close to a canonical splice site and therefore could affect mRNA splicing, leading to a significantly altered protein sequence. Consensus agreement among computation tools predict no significant impact on normal splicing. However, these predictions have yet to be confirmed by functional studies. The variant allele was found at a frequency of 1.9e-05 in 1613860 control chromosomes. The observed variant frequency is approximately 1.67 fold of the estimated maximal expected allele frequency for a pathogenic variant in FLNC causing Cardiomyopathy phenotype (1.1e-05). To our knowledge, no occurrence of c.5540-6C>G in individuals affected with Cardiomyopathy and no experimental evidence demonstrating its impact on protein function have been reported. ClinVar contains an entry for this variant (Variation ID: 472106). Based on the evidence outlined above, the variant was classified as benign.

CHEO Genetics Diagnostic Laboratory, Children's Hospital of Eastern Ontario
Classification: Uncertain significance for Cardiomyopathy. Last evaluated: 2022-04-14. Review status: criteria provided, single submitter. Criteria: ACMG Guidelines, 2015. Collection method: clinical testing. Allele origin: germline.